The following is an entry in ClinVar:

ClinVar aggregate classification (germline): Uncertain significance. Review status: criteria provided, multiple submitters, no conflicts (2 of 4 stars). 2 submissions from 2 submitters: Uncertain significance (2). Last evaluated 2024-06-25.

Conditions:
Primary familial hypertrophic cardiomyopathy (HCM). Identifiers: Orphanet 99739, MedGen C0949658, MeSH D024741, MONDO:0024573. Inheritance: Various modes of inheritance.
Dilated cardiomyopathy 1AA (CMD1AA). Also called: Cardiomyopathy, dilated, 1AA, with or without LVNC; CARDIOMYOPATHY, DILATED, 1AA, WITH OR WITHOUT LEFT VENTRICULAR NONCOMPACTION; CARDIOMYOPATHY, FAMILIAL HYPERTROPHIC, 23, WITH OR WITHOUT LEFT VENTRICULAR NONCOMPACTION. Identifiers: Orphanet 154, MedGen C2677338, MONDO:0012808, OMIM 612158.
Cardiovascular phenotype. Identifiers: MedGen CN230736.

Submissions (2):

Labcorp Genetics (formerly Invitae), Labcorp
Classification: Uncertain significance for Primary familial hypertrophic cardiomyopathy; Dilated cardiomyopathy 1AA. Last evaluated: 2024-06-25. Review status: criteria provided, single submitter. Criteria: Invitae Variant Classification Sherloc (09022015). Collection method: clinical testing. Allele origin: germline.
Comment: This sequence change replaces methionine, which is neutral and non-polar, with leucine, which is neutral and non-polar, at codon 20 of the ACTN2 protein (p.Met20Leu). This variant is not present in population databases (gnomAD no frequency). This variant has not been reported in the literature in individuals affected with ACTN2-related conditions. Advanced modeling of protein sequence and biophysical properties (such as structural, functional, and spatial information, amino acid conservation, physicochemical variation, residue mobility, and thermodynamic stability) performed at Invitae indicates that this missense variant is not expected to disrupt ACTN2 protein function with a negative predictive value of 95%. In summary, the available evidence is currently insufficient to determine the role of this variant in disease. Therefore, it has been classified as a Variant of Uncertain Significance.

Ambry Genetics
Classification: Uncertain significance for Cardiovascular phenotype. Last evaluated: 2024-04-08. Review status: criteria provided, single submitter. Criteria: Ambry Variant Classification Scheme 2023. Collection method: clinical testing. Allele origin: germline.

NM_001103.4(ACTN2):c.58A>C (p.Met20Leu)

Gene: ACTN2 (actinin alpha 2; plus strand). Cytogenetic location: 1q43.
Variant type: single nucleotide variant.
Coding change: c.58A>C on transcript NM_001103.4 (MANE Select); coding-DNA position 58, A replaced by C.
Protein change: p.Met20Leu; replaces methionine 20 with leucine.
Molecular consequence: missense variant. On other transcripts: non-coding transcript variant (1).
Genome position (GRCh38, 1-based): chr1:236,686,731, A>C. VCF-style: chr1-236686731-A-C. GRCh37 (hg19) VCF-style: chr1-236850031-A-C.
Other names: c.58A>C, p.Met20Leu (NM_001278343.2); short protein forms M20L.
Identifiers: ClinVar variation 3264398 (VCV003264398.3).